The following is an entry in ClinVar:

NM_001371596.2(MFSD8):c.1451C>T (p.Ala484Val)

Gene: MFSD8 (major facilitator superfamily domain containing 8; minus strand). Cytogenetic location: 4q28.2.
Variant type: single nucleotide variant.
Coding change: c.1451C>T on transcript NM_001371596.2 (MANE Select); coding-DNA position 1451, C replaced by T.
Protein change: p.Ala484Val; replaces alanine 484 with valine.
Molecular consequence: missense variant. On other transcripts: 3 prime UTR variant (1).
Genome position (GRCh38, 1-based): chr4:127,920,736, G>A on the plus strand (C>T on the coding strand, the complement: MFSD8 is on the minus strand). VCF-style: chr4-127920736-G-A. GRCh37 (hg19) VCF-style: chr4-128841891-G-A.
Other names: c.1250C>T, p.Ala417Val (NM_001363520.3); c.1136C>T, p.Ala379Val (NM_001363521.3); c.1316C>T, p.Ala439Val (NM_001371590.2); c.1460C>T, p.Ala487Val (NM_001371591.2); c.1457C>T, p.Ala486Val (NM_001371592.2); c.1337C>T, p.Ala446Val (NM_001371593.2); c.1304C>T, p.Ala435Val (NM_001371594.2); c.1169C>T, p.Ala390Val (NM_001371595.1); and 3 more; short protein forms A334V, A379V, A390V, A417V, A435V, A439V, A446V, A484V.
Identifiers: ClinVar variation 3768050 (VCV003768050.1).

ClinVar aggregate classification (germline): Uncertain significance (1 of 4 stars; one submission).

Submission:

Women's Health and Genetics/Laboratory Corporation of America, LabCorp
Classification: Uncertain significance. Last evaluated: 2024-12-30. Review status: criteria provided, single submitter. Criteria: LabCorp Variant Classification Summary - May 2015. Collection method: clinical testing. Allele origin: germline.
Comment: Variant summary: MFSD8 c.1451C>T (p.Ala484Val) results in a non-conservative amino acid change in the encoded protein sequence. Three of five in-silico tools predict a damaging effect of the variant on protein function. The variant was absent in 251378 control chromosomes. c.1451C>T has been reported in the literature in a homozygous individual affected with non-syndromic symmetric adult-onset macular dystrophy (Gelormini_2024). These data indicate that the variant may be associated with disease. To our knowledge, no experimental evidence demonstrating an impact on protein function has been reported. The following publication have been ascertained in the context of this evaluation (PMID: 38412107). No submitters have cited clinical-significance assessments for this variant to ClinVar. Based on the evidence outlined above, the variant was classified as VUS-possibly pathogenic.

Literature cited by the submitters: PubMed 38412107.